The following is an entry in ClinVar:

ClinVar aggregate classification (germline): Uncertain significance. Review status: criteria provided, multiple submitters, no conflicts (2 of 4 stars). 2 submissions from 2 submitters: Uncertain significance (2). Last evaluated 2023-06-02.

Submissions (2):

Labcorp Genetics (formerly Invitae), Labcorp
Classification: Uncertain significance. Last evaluated: 2023-06-02. Review status: criteria provided, single submitter. Criteria: Invitae Variant Classification Sherloc (09022015). Collection method: clinical testing. Allele origin: germline.
Comment: In summary, the available evidence is currently insufficient to determine the role of this variant in disease. Therefore, it has been classified as a Variant of Uncertain Significance. Variants that disrupt the consensus splice site are a relatively common cause of aberrant splicing (PMID: 17576681, 9536098). Algorithms developed to predict the effect of sequence changes on RNA splicing suggest that this variant may disrupt the consensus splice site. This sequence change replaces arginine, which is basic and polar, with threonine, which is neutral and polar, at codon 564 of the EPHB4 protein (p.Arg564Thr). This variant also falls at the last nucleotide of exon 9, which is part of the consensus splice site for this exon. An algorithm developed to predict the effect of missense changes on protein structure and function (PolyPhen-2) suggests that this variant is likely to be disruptive. This variant has not been reported in the literature in individuals affected with EPHB4-related conditions. This variant is not present in population databases (gnomAD no frequency).

Blueprint Genetics
Classification: Uncertain significance. Last evaluated: 2021-10-22. Review status: criteria provided, single submitter. Criteria: ACMG Guidelines, 2015. Collection method: clinical testing. Allele origin: germline.

Literature cited by the submitters: PubMed 17576681 (cited by Labcorp Genetics (formerly Invitae), Labcorp); PubMed 9536098 (cited by Labcorp Genetics (formerly Invitae), Labcorp).

NM_004444.5(EPHB4):c.1691G>C (p.Arg564Thr)

Gene: EPHB4 (EPH receptor B4; minus strand). Cytogenetic location: 7q22.1.
Variant type: single nucleotide variant.
Coding change: c.1691G>C on transcript NM_004444.5 (MANE Select); coding-DNA position 1691, G replaced by C.
Protein change: p.Arg564Thr; replaces arginine 564 with threonine.
Molecular consequence: missense variant.
Genome position (GRCh38, 1-based): chr7:100,813,919, C>G on the plus strand (G>C on the coding strand, the complement: EPHB4 is on the minus strand). VCF-style: chr7-100813919-C-G. GRCh37 (hg19) VCF-style: chr7-100411541-C-G.
Other names: short protein forms R564T.
Identifiers: ClinVar variation 2833827 (VCV002833827.4), dbSNP rs1813005672, ClinGen allele CA368571624.